The following is an entry in ClinVar:

ClinVar aggregate classification (germline): Uncertain significance. Review status: criteria provided, multiple submitters, no conflicts (2 of 4 stars). 2 submissions from 2 submitters: Uncertain significance (2). Last evaluated 2026-03-31.

Conditions:
Developmental and epileptic encephalopathy, 54. Also called: Epileptic encephalopathy, early infantile, 54; HNRNPU-Related Neurodevelopmental Disorder. Identifiers: MedGen C4479319, MONDO:0033363, OMIM 617391.

Submissions (2):

GeneDx
Classification: Uncertain significance. Last evaluated: 2026-03-31. Review status: criteria provided, single submitter. Criteria: GeneDx Variant Classification Process June 2021. Collection method: clinical testing. Allele origin: germline.
Comment: Not observed at significant frequency in large population cohorts (gnomAD); In silico analysis suggests that this missense variant does not alter protein structure/function; Has not been previously published as pathogenic or benign to our knowledge

Labcorp Genetics (formerly Invitae), Labcorp
Classification: Uncertain significance for Developmental and epileptic encephalopathy, 54. Last evaluated: 2023-06-24. Review status: criteria provided, single submitter. Criteria: Invitae Variant Classification Sherloc (09022015). Collection method: clinical testing. Allele origin: germline.
Comment: This sequence change replaces alanine, which is neutral and non-polar, with glutamic acid, which is acidic and polar, at codon 195 of the HNRNPU protein (p.Ala195Glu). In summary, the available evidence is currently insufficient to determine the role of this variant in disease. Therefore, it has been classified as a Variant of Uncertain Significance. Advanced modeling of protein sequence and biophysical properties (such as structural, functional, and spatial information, amino acid conservation, physicochemical variation, residue mobility, and thermodynamic stability) performed at Invitae indicates that this missense variant is not expected to disrupt HNRNPU protein function. This variant has not been reported in the literature in individuals affected with HNRNPU-related conditions. This variant is not present in population databases (gnomAD no frequency).

NM_031844.3(HNRNPU):c.584C>A (p.Ala195Glu)

Gene: HNRNPU (heterogeneous nuclear ribonucleoprotein U; minus strand). Cytogenetic location: 1q44.
Variant type: single nucleotide variant.
Coding change: c.584C>A on transcript NM_031844.3 (MANE Select); coding-DNA position 584, C replaced by A.
Protein change: p.Ala195Glu; replaces alanine 195 with glutamic acid.
Molecular consequence: missense variant.
Genome position (GRCh38, 1-based): chr1:244,863,724, G>T on the plus strand (C>A on the coding strand, the complement: HNRNPU is on the minus strand). VCF-style: chr1-244863724-G-T. GRCh37 (hg19) VCF-style: chr1-245027026-G-T.
Other names: c.584C>A, p.Ala195Glu (NM_004501.3); c.584C>A (NM_031844.2); short protein forms A195E.
Identifiers: ClinVar variation 2727063 (VCV002727063.4), dbSNP rs2527894352, ClinGen allele CA345496451.